The following is an entry in ClinVar:

NM_000465.4(BARD1):c.1818T>C (p.His606=)

Gene: BARD1 (BRCA1 associated RING domain 1; minus strand). Cytogenetic location: 2q35.
Variant type: single nucleotide variant.
Coding change: c.1818T>C on transcript NM_000465.4 (MANE Select); coding-DNA position 1818, T replaced by C.
Protein change: p.His606=; no amino-acid change (histidine 606 retained).
Molecular consequence: synonymous variant. On other transcripts: non-coding transcript variant (3), intron variant (1).
Genome position (GRCh38, 1-based): chr2:214,745,152, A>G on the plus strand (T>C on the coding strand, the complement: BARD1 is on the minus strand). VCF-style: chr2-214745152-A-G. GRCh37 (hg19) VCF-style: chr2-215609876-A-G.
Other names: c.1761T>C, p.His587= (NM_001282543.2); c.465T>C, p.His155= (NM_001282545.2); c.408T>C, p.His136= (NM_001282548.2); c.365-14644T>C (NM_001282549.2).
Identifiers: ClinVar variation 184356 (VCV000184356.24), dbSNP rs199590147, ClinGen allele CA188703.

ClinVar aggregate classification (germline): Benign/Likely benign. Review status: criteria provided, multiple submitters, no conflicts (2 of 4 stars). 9 submissions from 9 submitters: Benign (1); Likely benign (7). 1 of the submissions does not count toward it. Last evaluated 2025-12-28.

Conditions:
BARD1-related disorder. Also called: BARD1-related condition.
Hereditary cancer-predisposing syndrome. Also called: Hereditary neoplastic syndrome; Neoplastic Syndromes, Hereditary; Tumor predisposition; Hereditary Cancer Syndrome. Identifiers: Orphanet 140162, MedGen C0027672, MeSH D009386, MONDO:0015356.
Familial cancer of breast. Also called: BREAST CANCER, FAMILIAL; Hereditary breast cancer; hereditary breast carcinoma. Identifiers: Orphanet 227535, MedGen C0346153, MONDO:0016419, OMIM 114480. Disease mechanism: loss of function.

Allele frequency attached by ClinVar (database versions not stated): gnomAD 0.00001; gnomAD exomes 0.00001; TOPMed 0.00002.
gnomAD v4.1: 13 of 1,613,420 alleles (0.00081%); highest among the groups gnomAD compares: Admixed American, 0.0017%; no homozygotes.

Submissions (9):

Labcorp Genetics (formerly Invitae), Labcorp
Classification: Likely benign for Familial cancer of breast. Last evaluated: 2025-12-28. Review status: criteria provided, single submitter. Criteria: Invitae Variant Classification Sherloc (09022015). Collection method: clinical testing. Allele origin: germline.

Quest Diagnostics Nichols Institute San Juan Capistrano
Classification: Likely benign. Last evaluated: 2025-05-29. Review status: criteria provided, single submitter. Criteria: Quest Diagnostics criteria. Collection method: clinical testing. Allele origin: unknown.

Myriad Genetics, Inc.
Classification: Benign for Familial cancer of breast. Last evaluated: 2024-07-26. Review status: criteria provided, single submitter. Criteria: Myriad Autosomal Dominant, Autosomal Recessive and X-Linked Classification Criteria (2023). Collection method: clinical testing. Allele origin: unknown.
Comment: This variant is considered benign. This variant is a silent/synonymous amino acid change and it is not expected to impact splicing.

Sema4
Classification: Likely benign for Hereditary cancer-predisposing syndrome. Last evaluated: 2021-04-20. Review status: criteria provided, single submitter. Criteria: Sema4 Curation Guidelines. Collection method: curation. Allele origin: germline.

Mendelics
Classification: Likely benign for Familial cancer of breast. Last evaluated: 2019-05-28. Review status: criteria provided, single submitter. Criteria: Mendelics Assertion Criteria 2017. Collection method: clinical testing. Allele origin: unknown.

Color Diagnostics, LLC DBA Color Health
Classification: Likely benign for Hereditary cancer-predisposing syndrome. Last evaluated: 2017-04-07. Review status: criteria provided, single submitter. Criteria: ACMG Guidelines, 2015. Collection method: clinical testing. Allele origin: germline.

GeneDx
Classification: Likely benign. Last evaluated: 2016-09-02. Review status: criteria provided, single submitter. Criteria: GeneDx Variant Classification (06012015). Collection method: clinical testing. Allele origin: germline. Affected: yes.
Comment: This variant is considered likely benign or benign based on one or more of the following criteria: it is a conservative change, it occurs at a poorly conserved position in the protein, it is predicted to be benign by multiple in silico algorithms, and/or has population frequency not consistent with disease.

Ambry Genetics
Classification: Likely benign for Hereditary cancer-predisposing syndrome. Last evaluated: 2014-07-03. Review status: criteria provided, single submitter. Criteria: Ambry Variant Classification Scheme 2023. Collection method: clinical testing. Allele origin: germline.

PreventionGenetics, part of Exact Sciences
Classification: Likely benign for BARD1-related condition. Last evaluated: 2022-08-18. Review status: no assertion criteria provided. Collection method: clinical testing. Allele origin: germline. Not counted in ClinVar's aggregate classification.
Comment: This variant is classified as likely benign based on ACMG/AMP sequence variant interpretation guidelines (Richards et al. 2015 PMID: 25741868, with internal and published modifications).